The following is an entry in ClinVar:

ClinVar aggregate classification (germline): Conflicting classifications of pathogenicity. Review status: criteria provided, conflicting classifications (1 of 4 stars). 4 submissions from 4 submitters: Uncertain significance (1); Benign (1); Likely benign (1). 1 of the submissions does not count toward it. Last evaluated 2025-12-24.

Conditions:
TUB-related disorder. Also called: TUB-related condition.
Retinal dystrophy and obesity (RDOB). Identifiers: Orphanet 791, MedGen C4015424, MONDO:0014522, OMIM 616188.

Allele frequency attached by ClinVar (database versions not stated): gnomAD 0.00096 and 0.00097; ESP Exome Variant Server 0.00108; 1000 Genomes Project 30x 0.00125; 1000 Genomes Project 0.00140.
gnomAD v4.1: 340 of 1,614,174 alleles (0.021%); highest among the groups gnomAD compares: African/African-American, 0.34%; no homozygotes.

Submissions (6):

Labcorp Genetics (formerly Invitae), Labcorp
Classification: Benign. Last evaluated: 2025-12-24. Review status: criteria provided, single submitter. Criteria: Invitae Variant Classification Sherloc (09022015). Collection method: clinical testing. Allele origin: germline.

Blueprint Genetics
Classification: Likely benign. Last evaluated: 2024-05-02. Review status: criteria provided, single submitter. Criteria: ACMG Guidelines, 2015. Collection method: clinical testing. Allele origin: germline.

New York Genome Center
Classification: Uncertain significance for Retinal dystrophy and obesity. Last evaluated: 2022-04-20. Review status: criteria provided, single submitter. Criteria: NYGC Assertion Criteria 2020. Collection method: clinical testing. Allele origin: germline. Observed: 1 heterozygote.

PreventionGenetics, part of Exact Sciences
Classification: Likely benign for TUB-related condition. Last evaluated: 2021-09-24. Review status: no assertion criteria provided. Collection method: clinical testing. Allele origin: germline. Not counted in ClinVar's aggregate classification.
Comment: This variant is classified as likely benign based on ACMG/AMP sequence variant interpretation guidelines (Richards et al. 2015 PMID: 25741868, with internal and published modifications).

Dr. Peter K. Rogan Lab, Western University
No classification provided (evidence only). Condition: Cervical cancer. Review status: no classification provided. Collection method: in vitro. Allele origin: not applicable. Functional consequence: retained intron. Not counted in ClinVar's aggregate classification.

Dr. Peter K. Rogan Lab, Western University
No classification provided (evidence only). Condition: Uterine corpus endometrial carcinoma. Review status: no classification provided. Collection method: in vitro. Allele origin: not applicable. Functional consequence: retained intron. Not counted in ClinVar's aggregate classification.

NM_177972.3(TUB):c.1388-10T>G

Genes: RIC3 (RIC3 acetylcholine receptor chaperone; minus strand), TUB (TUB bipartite transcription factor; plus strand). Cytogenetic location: 11p15.4.
Variant type: single nucleotide variant.
Coding change: c.1388-10T>G on transcript NM_177972.3 (MANE Select); 10 bases into the intron before coding-DNA position 1388, T replaced by G.
Molecular consequence: intron variant.
Genome position (GRCh38, 1-based): chr11:8,101,476, T>G. VCF-style: chr11-8101476-T-G. GRCh37 (hg19) VCF-style: chr11-8123023-T-G.
Other names: c.1388-10T>G (NM_177972.2); c.1553-10T>G (NM_003320.4, NM_003320.5).
Identifiers: ClinVar variation 1168423 (VCV001168423.12), dbSNP rs150402974, ClinGen allele CA5871501.
Genomic context (GRCh38, chr11:8,101,476, plus strand): 5'-GTCTATCCTTCCCTGGCTCTACCATTCCTGTCCTGTCCTTTTCTCTGTCTGTGCCTGTGC[T>G]TGGCCCCAGCGGACTACATCGTGATGCAGTTTGGCCGGGTAGCAGAGGATGTGTTCACCA-3'